The following is an entry in ClinVar:

ClinVar aggregate classification (germline): Uncertain significance (1 of 4 stars; one submission).

Conditions:
Ehlers-Danlos syndrome, spondylodysplastic type, 3. Also called: Ehlers-Danlos syndrome, spondylocheirodysplastic type. Identifiers: Orphanet 157965, MedGen C2676510, MONDO:0012873, OMIM 612350.

Submission:

Labcorp Genetics (formerly Invitae), Labcorp
Classification: Uncertain significance for Ehlers-Danlos syndrome, spondylodysplastic type, 3. Last evaluated: 2019-01-19. Review status: criteria provided, single submitter. Criteria: Invitae Variant Classification Sherloc (09022015). Collection method: clinical testing. Allele origin: germline.
Comment: In summary, the available evidence is currently insufficient to determine the role of this variant in disease. Therefore, it has been classified as a Variant of Uncertain Significance. Experimental studies and prediction algorithms are not available for this variant, and the functional significance of the affected amino acid(s) is currently unknown. This variant has not been reported in the literature in individuals with SLC39A13-related conditions. This variant is not present in population databases (ExAC no frequency). This variant, c.255_269del, results in the deletion of 5 amino acid(s) of the SLC39A13 protein (p.Leu87_Leu91del), but otherwise preserves the integrity of the reading frame.

NM_001128225.3(SLC39A13):c.255_269del (p.Leu87_Leu91del)

Gene: SLC39A13 (solute carrier family 39 member 13; plus strand). Cytogenetic location: 11p11.2.
Variant type: Deletion.
Coding change: c.255_269del on transcript NM_001128225.3 (MANE Select); coding-DNA positions 255 to 269, 15 bases deleted (GTTGCTTGTCATTCC).
Protein change: p.Leu87_Leu91del.
Molecular consequence: inframe deletion. On other transcripts: non-coding transcript variant (1).
Genome position (GRCh38, 1-based): chr11:47,410,349-47,410,363, GTTGCTTGTCATTCC deleted; deleting any 15 consecutive bases within chr11:47,410,347-47,410,363 gives the same sequence; the c. name uses the placement nearest the transcript's 3' end. VCF-style (leftmost placement, unchanged base first): chr11-47410346-CCCGTTGCTTGTCATT-C. GRCh37 (hg19) VCF-style: chr11-47431897-CCCGTTGCTTGTCATT-C.
Other names: c.255_269del, p.Leu87_Leu91del (NM_001330245.2, NM_152264.5).
Identifiers: ClinVar variation 838611 (VCV000838611.10), dbSNP rs2095992049, ClinGen allele CA916083240.